The following is an entry in ClinVar:

ClinVar aggregate classification (germline): Benign. Review status: criteria provided, multiple submitters, no conflicts (2 of 4 stars). 6 submissions from 6 submitters: Benign (6). Last evaluated 2026-02-03.

Conditions:
Congenital stationary night blindness 1D. Also called: Night blindness, congenital stationary (complete), 1D, autosomal recessive. Identifiers: Orphanet 215, MedGen C3151193, MONDO:0013450, OMIM 613830.

Allele frequency attached by ClinVar (database versions not stated): gnomAD 0.20462 and 0.19289; 1000 Genomes Project 0.31450; gnomAD exomes 0.20753 and 0.25506; ExAC 0.25221; ESP Exome Variant Server 0.15966; 1000 Genomes Project 30x 0.30122; TOPMed 0.19705.
gnomAD v4.1: 335,280 of 1,613,544 alleles (21%); highest among the groups gnomAD compares: East Asian, 71%; 42,976 homozygotes.

Submissions (7):

Labcorp Genetics (formerly Invitae), Labcorp
Classification: Benign. Last evaluated: 2026-02-03. Review status: criteria provided, single submitter. Criteria: Invitae Variant Classification Sherloc (09022015). Collection method: clinical testing. Allele origin: germline.

Genome-Nilou Lab
Classification: Benign for Congenital stationary night blindness 1D. Last evaluated: 2021-07-15. Review status: criteria provided, single submitter. Criteria: ACMG Guidelines, 2015. Collection method: clinical testing. Allele origin: germline. Affected: no.

GeneDx
Classification: Benign. Last evaluated: 2021-05-04. Review status: criteria provided, single submitter. Criteria: GeneDx Variant Classification Process June 2021. Collection method: clinical testing. Allele origin: germline. Affected: yes.

Illumina Laboratory Services, Illumina
Classification: Benign for Congenital stationary night blindness 1D. Last evaluated: 2018-01-13. Review status: criteria provided, single submitter. Criteria: ICSL Variant Classification Criteria 13 December 2019. Collection method: clinical testing. Allele origin: germline.
Comment: This variant was observed in the ICSL laboratory as part of a predisposition screen in an ostensibly healthy population. It had not been previously curated by ICSL or reported in the Human Gene Mutation Database (HGMD: prior to June 1st, 2018), and was therefore a candidate for classification through an automated scoring system. Utilizing variant allele frequency, disease prevalence and penetrance estimates, and inheritance mode, an automated score was calculated to assess if this variant is too frequent to cause the disease. Based on the score and internal cut-off values, a variant classified as benign is not then subjected to further curation. The score for this variant resulted in a classification of benign for this disease.

Breakthrough Genomics
Classification: Benign. Review status: criteria provided, single submitter. Criteria: ACMG Guidelines, 2015. Collection method: not provided. Allele origin: germline. Inheritance: Autosomal recessive inheritance. Affected: yes.

PreventionGenetics, part of Exact Sciences
Classification: Benign. Review status: criteria provided, single submitter. Criteria: ACMG Guidelines, 2015. Collection method: clinical testing. Allele origin: germline.

Dr. Peter K. Rogan Lab, Western University
No classification provided (evidence only). Condition: Cholangiocarcinoma. Review status: no classification provided. Collection method: in vitro. Allele origin: not applicable. Functional consequence: retained intron. Not counted in ClinVar's aggregate classification.

NM_004727.3(SLC24A1):c.109A>T (p.Thr37Ser)

Gene: SLC24A1 (solute carrier family 24 member 1; plus strand). Cytogenetic location: 15q22.31.
Variant type: single nucleotide variant.
Coding change: c.109A>T on transcript NM_004727.3 (MANE Select); coding-DNA position 109, A replaced by T.
Protein change: p.Thr37Ser; replaces threonine 37 with serine.
Molecular consequence: missense variant.
Genome position (GRCh38, 1-based): chr15:65,624,189, A>T. VCF-style: chr15-65624189-A-T. GRCh37 (hg19) VCF-style: chr15-65916527-A-T.
Other names: c.109A>T, p.Thr37Ser (NM_001301031.1, NM_001301032.1, NM_001301033.2); short protein forms T37S.
Identifiers: ClinVar variation 259525 (VCV000259525.20), dbSNP rs3743171, ClinGen allele CA7619697.